The following is an entry in ClinVar:

NM_024854.5(PYROXD1):c.959C>T (p.Thr320Ile)

Gene: PYROXD1 (pyridine nucleotide-disulphide oxidoreductase domain 1; plus strand). Cytogenetic location: 12p12.1.
Variant type: single nucleotide variant.
Coding change: c.959C>T on transcript NM_024854.5 (MANE Select); coding-DNA position 959, C replaced by T.
Protein change: p.Thr320Ile; replaces threonine 320 with isoleucine.
Molecular consequence: missense variant.
Genome position (GRCh38, 1-based): chr12:21,462,086, C>T. VCF-style: chr12-21462086-C-T. GRCh37 (hg19) VCF-style: chr12-21615020-C-T.
Other names: c.746C>T, p.Thr249Ile (NM_001350912.2); c.182C>T, p.Thr61Ile (NM_001350913.2); short protein forms T249I, T320I, T61I.
Identifiers: ClinVar variation 1371431 (VCV001371431.8), dbSNP rs763009404, ClinGen allele CA384110212.
Genomic context (GRCh38, chr12:21,462,086, plus strand): 5'-TGGAATTGACCAATGAAAAGATATATGGCTGCGATTTCATTGTCAGTGCTACAGGAGTTA[C>T]ACCAAATGTAGAACCTTTTCTCCATGGTAACAGTGTAAGGTGAAATTTTTTTGTCCAGCT-3'
Protein context (NP_079130.2, residues 310-330): CDFIVSATGV[Thr320Ile]PNVEPFLHGN

ClinVar aggregate classification (germline): Uncertain significance (1 of 4 stars; one submission).

Allele frequency attached by ClinVar (database versions not stated): gnomAD exomes below 0.00001; TOPMed below 0.00001.
gnomAD v4.1: 6 of 1,612,110 alleles (0.00037%); highest among the groups gnomAD compares: Admixed American, 0.005%; no homozygotes.

Submission:

Labcorp Genetics (formerly Invitae), Labcorp
Classification: Uncertain significance. Last evaluated: 2022-08-31. Review status: criteria provided, single submitter. Criteria: Invitae Variant Classification Sherloc (09022015). Collection method: clinical testing. Allele origin: germline.
Comment: This sequence change replaces threonine, which is neutral and polar, with isoleucine, which is neutral and non-polar, at codon 320 of the PYROXD1 protein (p.Thr320Ile). This variant is present in population databases (no rsID available, gnomAD 0.003%). This variant has not been reported in the literature in individuals affected with PYROXD1-related conditions. ClinVar contains an entry for this variant (Variation ID: 1371431). Algorithms developed to predict the effect of missense changes on protein structure and function output the following: SIFT: "Tolerated"; PolyPhen-2: "Benign"; Align-GVGD: "Class C0". The isoleucine amino acid residue is found in multiple mammalian species, which suggests that this missense change does not adversely affect protein function. In summary, the available evidence is currently insufficient to determine the role of this variant in disease. Therefore, it has been classified as a Variant of Uncertain Significance.